The following is an entry in ClinVar:

ClinVar aggregate classification (germline): Benign (1 of 4 stars; one submission).

Allele frequency attached by ClinVar (database versions not stated): TOPMed 0.00940; gnomAD 0.01037; ExAC 0.01159; ESP Exome Variant Server 0.01215; 1000 Genomes Project 30x 0.00484; 1000 Genomes Project 0.00499.
gnomAD v4.1: 22,512 of 1,614,220 alleles (1.4%); highest among the groups gnomAD compares: Non-Finnish European, 1.6%; 218 homozygotes.

Submission:

CeGaT Center for Human Genetics Tuebingen
Classification: Benign. Last evaluated: 2026-09-01. Review status: criteria provided, single submitter. Criteria: CeGaT Center For Human Genetics Tuebingen Variant Classification Criteria Version 2. Collection method: clinical testing. Allele origin: germline. Affected: yes. Observed: 57 variant alleles.
Comment: TIAM1: BS1, BS2

NM_001353694.2(TIAM1):c.326C>T (p.Thr109Ile)

Gene: TIAM1 (TIAM Rac1 associated GEF 1; minus strand). Cytogenetic location: 21q22.11.
Variant type: single nucleotide variant.
Coding change: c.326C>T on transcript NM_001353694.2 (MANE Select); coding-DNA position 326, C replaced by T.
Protein change: p.Thr109Ile; replaces threonine 109 with isoleucine.
Molecular consequence: missense variant.
Genome position (GRCh38, 1-based): chr21:31,266,647, G>A on the plus strand (C>T on the coding strand, the complement: TIAM1 is on the minus strand). VCF-style: chr21-31266647-G-A. GRCh37 (hg19) VCF-style: chr21-32638963-G-A.
Other names: c.326C>T, p.Thr109Ile (NM_001353686.2, NM_001353687.2, NM_001353688.1 and 6 more transcripts); short protein forms T109I.
Identifiers: ClinVar variation 2652584 (VCV002652584.24), dbSNP rs34882418, ClinGen allele CA9998698.